The following is an entry in ClinVar:

ClinVar aggregate classification (germline): Uncertain significance (1 of 4 stars; one submission).

Submission:

GeneDx
Classification: Uncertain significance. Last evaluated: 2023-06-26. Review status: criteria provided, single submitter. Criteria: GeneDx Variant Classification Process June 2021. Collection method: clinical testing. Allele origin: germline. Affected: yes.
Comment: Not observed at significant frequency in large population cohorts (gnomAD); In silico analysis supports that this missense variant does not alter protein structure/function; Has not been previously published as pathogenic or benign to our knowledge

NM_001379451.1(BCORL1):c.229G>A (p.Asp77Asn)

Gene: BCORL1 (BCL6 corepressor like 1; plus strand). Cytogenetic location: Xq26.1.
Variant type: single nucleotide variant.
Coding change: c.229G>A on transcript NM_001379451.1 (MANE Select); coding-DNA position 229, G replaced by A.
Protein change: p.Asp77Asn; replaces aspartic acid 77 with asparagine.
Molecular consequence: missense variant.
Genome position (GRCh38, 1-based): chrX:130,013,001, G>A. VCF-style: chrX-130013001-G-A. GRCh37 (hg19) VCF-style: chrX-129146977-G-A.
Other names: c.229G>A, p.Asp77Asn (NM_001184772.3, NM_001379450.1, NM_021946.5); short protein forms D77N.
Identifiers: ClinVar variation 3360426 (VCV003360426.1).